The following is an entry in ClinVar:

ClinVar aggregate classification (germline): Uncertain significance (1 of 4 stars; one submission).

Conditions:
Hereditary cancer-predisposing syndrome. Also called: Neoplastic Syndromes, Hereditary; Tumor predisposition; Hereditary Cancer Syndrome; Hereditary neoplastic syndrome. Identifiers: Orphanet 140162, MedGen C0027672, MeSH D009386, MONDO:0015356.

Submission:

Ambry Genetics
Classification: Uncertain significance for Hereditary cancer-predisposing syndrome. Last evaluated: 2021-05-29. Review status: criteria provided, single submitter. Criteria: Ambry Variant Classification Scheme 2023. Collection method: clinical testing. Allele origin: germline.
Comment: The p.S2300A variant (also known as c.6898T>G), located in coding exon 15 of the APC gene, results from a T to G substitution at nucleotide position 6898. The serine at codon 2300 is replaced by alanine, an amino acid with similar properties. This amino acid position is highly conserved in available vertebrate species. In addition, in silico predictors for this gene do not accurately predict pathogenicity. Since supporting evidence is limited at this time, the clinical significance of this alteration remains unclear.

NM_000038.6(APC):c.6898T>G (p.Ser2300Ala)

Gene: APC (APC regulator of Wnt signaling pathway; plus strand). Cytogenetic location: 5q22.2.
Variant type: single nucleotide variant.
Coding change: c.6898T>G on transcript NM_000038.6 (MANE Select); coding-DNA position 6898, T replaced by G.
Protein change: p.Ser2300Ala; replaces serine 2300 with alanine.
Molecular consequence: missense variant.
Genome position (GRCh38, 1-based): chr5:112,842,492, T>G. VCF-style: chr5-112842492-T-G. GRCh37 (hg19) VCF-style: chr5-112178189-T-G.
Other names: c.6898T>G, p.Ser2300Ala (NM_001127510.3, NM_001354895.2, NM_001407450.1); c.6844T>G, p.Ser2282Ala (NM_001127511.3); c.6952T>G, p.Ser2318Ala (NM_001354896.2, NM_001407447.1, NM_001407448.1 and 1 more transcripts); c.6928T>G, p.Ser2310Ala (NM_001354897.2); c.6823T>G, p.Ser2275Ala (NM_001354898.2); c.6814T>G, p.Ser2272Ala (NM_001354899.2); c.6775T>G, p.Ser2259Ala (NM_001354900.2); c.6721T>G, p.Ser2241Ala (NM_001354901.2, NM_001407453.1); and 11 more; short protein forms S2174A, S2209A, S2241A, S1916A, S2140A, S2259A, S2290A, S2300A.
Identifiers: ClinVar variation 1756019 (VCV001756019.2), dbSNP rs1766329011, ClinGen allele CA16036383.
Genomic context (GRCh38, chr5:112,842,492, plus strand): 5'-TCAGAATTAAGCCCTGTTGCCAGGCAGACATCCCAAATAGGTGGGTCAAGTAAAGCACCT[T>G]CTAGATCAGGATCTAGAGATTCGACCCCTTCAAGACCTGCCCAGCAACCATTAAGTAGAC-3'
Protein context (NP_000029.2, residues 2290-2310): SQIGGSSKAP[Ser2300Ala]RSGSRDSTPS